The following is an entry in ClinVar:

NM_014845.6(FIG4):c.594A>C (p.Gln198His)

Gene: FIG4 (FIG4 phosphoinositide 5-phosphatase; plus strand). Cytogenetic location: 6q21.
Variant type: single nucleotide variant.
Coding change: c.594A>C on transcript NM_014845.6 (MANE Select); coding-DNA position 594, A replaced by C.
Protein change: p.Gln198His; replaces glutamine 198 with histidine.
Molecular consequence: missense variant.
Genome position (GRCh38, 1-based): chr6:109,735,246, A>C. VCF-style: chr6-109735246-A-C. GRCh37 (hg19) VCF-style: chr6-110056449-A-C.
Other names: short protein forms Q198H.
Identifiers: ClinVar variation 3623914 (VCV003623914.2).

ClinVar aggregate classification (germline): Uncertain significance (1 of 4 stars; one submission).

Conditions:
Charcot-Marie-Tooth disease type 4. Also called: Charcot-Marie-Tooth, Type 4; Charcot-Marie-Tooth disease, type IV. Identifiers: Orphanet 64749, MedGen C4082197, MONDO:0018995.

gnomAD v4.1: 8 of 1,613,656 alleles (0.0005%); highest among the groups gnomAD compares: Admixed American, 0.0033%; no homozygotes.

Submission:

Labcorp Genetics (formerly Invitae), Labcorp
Classification: Uncertain significance for Charcot-Marie-Tooth disease type 4. Last evaluated: 2024-12-02. Review status: criteria provided, single submitter. Criteria: Invitae Variant Classification Sherloc (09022015). Collection method: clinical testing. Allele origin: germline.
Comment: This sequence change replaces glutamine, which is neutral and polar, with histidine, which is basic and polar, at codon 198 of the FIG4 protein (p.Gln198His). This variant is present in population databases (no rsID available, gnomAD 0.003%). This variant has not been reported in the literature in individuals affected with FIG4-related conditions. An algorithm developed to predict the effect of missense changes on protein structure and function (PolyPhen-2) suggests that this variant is likely to be tolerated. In summary, the available evidence is currently insufficient to determine the role of this variant in disease. Therefore, it has been classified as a Variant of Uncertain Significance.